The following is an entry in ClinVar:

NM_002334.4(LRP4):c.4094G>A (p.Arg1365Gln)

Gene: LRP4 (LDL receptor related protein 4; minus strand). Cytogenetic location: 11p11.2.
Variant type: single nucleotide variant.
Coding change: c.4094G>A on transcript NM_002334.4 (MANE Select); coding-DNA position 4094, G replaced by A.
Protein change: p.Arg1365Gln; replaces arginine 1365 with glutamine.
Molecular consequence: missense variant.
Genome position (GRCh38, 1-based): chr11:46,874,935, C>T on the plus strand (G>A on the coding strand, the complement: LRP4 is on the minus strand). VCF-style: chr11-46874935-C-T. GRCh37 (hg19) VCF-style: chr11-46896486-C-T.
Other names: short protein forms R1365Q.
Identifiers: ClinVar variation 879523 (VCV000879523.7), dbSNP rs770974209, ClinGen allele CA5969414.

ClinVar aggregate classification (germline): Uncertain significance. Review status: criteria provided, multiple submitters, no conflicts (2 of 4 stars). 3 submissions from 3 submitters: Uncertain significance (3). Last evaluated 2025-10-26.

Conditions:
LRP4-related disorder. Also called: LRP4-related condition.
Sclerosteosis 2 (SOST2). Identifiers: Orphanet 3152, MedGen C3280402, MONDO:0013679, OMIM 614305.
Congenital myasthenic syndrome 17. Identifiers: Orphanet 590, MedGen C4225377, MONDO:0014578, OMIM 616304.
Cenani-Lenz syndactyly syndrome. Also called: CENANI SYNDACTYLISM; SYNDACTYLY, TYPE VII. Identifiers: Orphanet 3258, MedGen C1859309, MONDO:0008931, OMIM 212780.

Allele frequency attached by ClinVar (database versions not stated): ExAC 0.00002; TOPMed 0.00003; gnomAD exomes 0.00004 and 0.00001; gnomAD 0.00001.
gnomAD v4.1: 66 of 1,614,022 alleles (0.0041%); highest among the groups gnomAD compares: Non-Finnish European, 0.0053%; no homozygotes.

Submissions (3):

PreventionGenetics, part of Exact Sciences
Classification: Uncertain significance for LRP4-related condition. Last evaluated: 2025-10-26. Review status: criteria provided, single submitter. Criteria: ACMG Guidelines, 2015. Collection method: clinical testing. Allele origin: germline.
Comment: The LRP4 c.4094G>A variant is predicted to result in the amino acid substitution p.Arg1365Gln. To our knowledge, this variant has not been reported in the literature. This variant is reported in 0.0018% of alleles in individuals of European (Non-Finnish) descent in gnomAD. At this time, the clinical significance of this variant is uncertain due to the absence of conclusive functional and genetic evidence.

Fulgent Genetics
Classification: Uncertain significance for Cenani-Lenz syndactyly syndrome; Sclerosteosis 2; Congenital myasthenic syndrome 17. Last evaluated: 2024-04-01. Review status: criteria provided, single submitter. Criteria: ACMG Guidelines, 2015. Collection method: clinical testing. Allele origin: germline.

Illumina Laboratory Services, Illumina
Classification: Uncertain significance for Cenani-Lenz syndactyly syndrome. Last evaluated: 2018-03-30. Review status: criteria provided, single submitter. Criteria: ICSL Variant Classification Criteria 13 December 2019. Collection method: clinical testing. Allele origin: germline.